The following is an entry in ClinVar:

ClinVar aggregate classification (germline): Uncertain significance (1 of 4 stars; one submission).

Allele frequency attached by ClinVar (database versions not stated): gnomAD 0.00001; gnomAD exomes 0.00001.

Submission:

Ambry Genetics
Classification: Uncertain significance. Last evaluated: 2024-02-27. Review status: criteria provided, single submitter. Criteria: Ambry Variant Classification Scheme 2023. Collection method: clinical testing. Allele origin: germline.
Comment: The c.50C>G (p.T17S) alteration is located in exon (coding exon ) of the SAMD1 gene. This alteration results from a C to G substitution at nucleotide position 50, causing the threonine (T) at amino acid position 17 to be replaced by a serine (S). Based on insufficient or conflicting evidence, the clinical significance of this alteration remains unclear.

NM_138352.3(SAMD1):c.50C>G (p.Thr17Ser)

Gene: SAMD1 (sterile alpha motif domain containing 1; minus strand). Cytogenetic location: 19p13.12.
Variant type: single nucleotide variant.
Coding change: c.50C>G on transcript NM_138352.3 (MANE Select); coding-DNA position 50, C replaced by G.
Protein change: p.Thr17Ser; replaces threonine 17 with serine.
Molecular consequence: missense variant.
Genome position (GRCh38, 1-based): chr19:14,090,371, G>C on the plus strand (C>G on the coding strand, the complement: SAMD1 is on the minus strand). VCF-style: chr19-14090371-G-C. GRCh37 (hg19) VCF-style: chr19-14201183-G-C.
Other names: short protein forms T17S.
Identifiers: ClinVar variation 3157623 (VCV003157623.1), dbSNP rs1976992530, ClinGen allele CA404371494.
Genomic context (GRCh38, chr19:14,090,371, plus strand): 5'-TCCAGGATCCACTCTTGGTAGTGCGGGGAAGCGGCGGACGACGAGGCGGCGGCCGCCGTG[G>C]TGGCGGCCGCCGCCGTCTCCGGCGGGGGTAGGGCCGGGGGCCCCGCCATGCCTCCCGCCC-3'
Protein context (NP_612361.1, residues 7-27): LPPPETAAAA[Thr17Ser]TAAAASSSAA